The following is an entry in ClinVar:

ClinVar aggregate classification (germline): Conflicting classifications of pathogenicity. Review status: criteria provided, conflicting classifications (1 of 4 stars). 7 submissions from 7 submitters: Uncertain significance (1); Benign (2); Likely benign (3). 1 of the submissions does not count toward it. Last evaluated 2025-01-19.

Conditions:
SRPX2-related disorder. Also called: SRPX2-related condition.
Rolandic epilepsy, impaired intellectual development, and speech dyspraxia, X-linked. Also called: Rolandic epilepsy, intellectual disability, and speech dyspraxia, X-linked; Rolandic epilepsy, impaired intellectual development, and speech dyspraxia. Identifiers: MedGen C1845070, MONDO:0010388, OMIM 300643.

Allele frequency attached by ClinVar (database versions not stated): gnomAD exomes 0.00010 and 0.00018; ExAC 0.00023; ESP Exome Variant Server 0.00076; 1000 Genomes Project 0.00079; 1000 Genomes Project 30x 0.00104; gnomAD 0.00113 and 0.00118; TOPMed 0.00133.
gnomAD v4.1: 260 of 1,210,707 alleles (0.021%); highest among the groups gnomAD compares: African/African-American, 0.33%; no homozygotes.

Submissions (7):

Labcorp Genetics (formerly Invitae), Labcorp
Classification: Benign for Rolandic epilepsy, impaired intellectual development, and speech dyspraxia, X-linked. Last evaluated: 2025-01-19. Review status: criteria provided, single submitter. Criteria: Invitae Variant Classification Sherloc (09022015). Collection method: clinical testing. Allele origin: germline.

Blueprint Genetics
Classification: Likely benign. Last evaluated: 2024-11-26. Review status: criteria provided, single submitter. Criteria: ACMG Guidelines, 2015. Collection method: clinical testing. Allele origin: germline.

Athena Diagnostics
Classification: Benign. Last evaluated: 2018-01-26. Review status: criteria provided, single submitter. Criteria: Athena Diagnostics Criteria. Collection method: clinical testing. Allele origin: germline.

GeneDx
Classification: Likely benign. Last evaluated: 2015-12-17. Review status: criteria provided, single submitter. Criteria: GeneDx Variant Classification (06012015). Collection method: clinical testing. Allele origin: germline. Affected: yes.
Comment: This variant is considered likely benign or benign based on one or more of the following criteria: it is a conservative change, it occurs at a poorly conserved position in the protein, it is predicted to be benign by multiple in silico algorithms, and/or has population frequency not consistent with disease.

Genetic Services Laboratory, University of Chicago
Classification: Likely benign. Last evaluated: 2015-07-24. Review status: criteria provided, single submitter. Criteria: ACMG Guidelines, 2015. Collection method: clinical testing. Allele origin: germline.

Eurofins Ntd Llc (ga)
Classification: Uncertain significance. Last evaluated: 2013-05-13. Review status: criteria provided, single submitter. Criteria: EGL Classification Definitions 2015. Collection method: clinical testing. Allele origin: germline. Observed: 3 variant alleles, 1 heterozygote, 2 hemizygotes.

PreventionGenetics, part of Exact Sciences
Classification: Likely benign for SRPX2-related condition. Last evaluated: 2022-10-19. Review status: no assertion criteria provided. Collection method: clinical testing. Allele origin: germline. Not counted in ClinVar's aggregate classification.
Comment: This variant is classified as likely benign based on ACMG/AMP sequence variant interpretation guidelines (Richards et al. 2015 PMID: 25741868, with internal and published modifications).

NM_014467.3(SRPX2):c.840G>A (p.Ala280=)

Gene: SRPX2 (sushi repeat containing protein X-linked 2; plus strand). Cytogenetic location: Xq22.1.
Variant type: single nucleotide variant.
Coding change: c.840G>A on transcript NM_014467.3 (MANE Select); coding-DNA position 840, G replaced by A.
Protein change: p.Ala280=; no amino-acid change (alanine 280 retained).
Molecular consequence: synonymous variant.
Genome position (GRCh38, 1-based): chrX:100,666,812, G>A. VCF-style: chrX-100666812-G-A. GRCh37 (hg19) VCF-style: chrX-99921809-G-A.
Identifiers: ClinVar variation 95602 (VCV000095602.24), dbSNP rs139377205, ClinGen allele CA206417.
Genomic context (GRCh38, chrX:100,666,812, plus strand): 5'-AGTGAGACGCTGCCCAACTCTGAAACCTCCGCAGCACGGCTACCTCACCTGCACCTCAGC[G>A]GGGGACAACTATGGTGCCACCTGTGAATACCACTGTGATGGCGGTTATGATCGCCAGGGG-3'
Protein context (NP_055282.1, residues 270-290): PQHGYLTCTS[Ala280=]GDNYGATCEY